The following is an entry in ClinVar:

ClinVar aggregate classification (germline): Uncertain significance (1 of 4 stars; one submission).

Conditions:
PRICKLE2-related disorder. Also called: PRICKLE2-related condition.

gnomAD v4.1: 2 of 1,613,958 alleles (0.00012%); highest among the groups gnomAD compares: Admixed American, 0.0017%; no homozygotes.

Submission:

PreventionGenetics, part of Exact Sciences
Classification: Uncertain significance for PRICKLE2-related condition. Last evaluated: 2025-03-27. Review status: criteria provided, single submitter. Criteria: ACMG Guidelines, 2015. Collection method: clinical testing. Allele origin: germline.
Comment: The PRICKLE2 c.1975G>C variant is predicted to result in the amino acid substitution p.Gly659Arg. To our knowledge, this variant has not been reported in the literature. This variant is reported in 0.0029% of alleles in individuals of Latino descent in gnomAD. At this time, the clinical significance of this variant is uncertain due to the absence of conclusive functional and genetic evidence.

NM_198859.4(PRICKLE2):c.1975G>C (p.Gly659Arg)

Genes: PRICKLE2 (prickle planar cell polarity protein 2; minus strand), PRICKLE2-AS1 (PRICKLE2 antisense RNA 1; plus strand). Cytogenetic location: 3p14.1.
Variant type: single nucleotide variant.
Coding change: c.1975G>C on transcript NM_198859.4 (MANE Select); coding-DNA position 1975, G replaced by C.
Protein change: p.Gly659Arg; replaces glycine 659 with arginine.
Molecular consequence: missense variant. On other transcripts: non-coding transcript variant (1).
Genome position (GRCh38, 1-based): chr3:64,099,611, C>G on the plus strand (G>C on the coding strand, the complement: PRICKLE2 is on the minus strand). VCF-style: chr3-64099611-C-G. GRCh37 (hg19) VCF-style: chr3-64085287-C-G.
Other names: c.1975G>C, p.Gly659Arg (NM_001370528.1); short protein forms G659R.
Identifiers: ClinVar variation 4988621 (VCV004988621.1).